The following is an entry in ClinVar:

NM_001903.5(CTNNA1):c.2330T>G (p.Leu777Arg)

Gene: CTNNA1 (catenin alpha 1; plus strand). Cytogenetic location: 5q31.2.
Variant type: single nucleotide variant.
Coding change: c.2330T>G on transcript NM_001903.5 (MANE Select); coding-DNA position 2330, T replaced by G.
Protein change: p.Leu777Arg; replaces leucine 777 with arginine.
Molecular consequence: missense variant. On other transcripts: intron variant (1).
Genome position (GRCh38, 1-based): chr5:138,932,609, T>G. VCF-style: chr5-138932609-T-G. GRCh37 (hg19) VCF-style: chr5-138268298-T-G.
Other names: c.2330T>G, p.Leu777Arg (NM_001323984.2, NM_001323985.2, NM_001290307.3 and 2 more transcripts); c.2237T>G, p.Leu746Arg (NM_001323986.2); c.1220T>G, p.Leu407Arg (NM_001323987.1, NM_001323988.1, NM_001323989.1 and 16 more transcripts); c.881T>G, p.Leu294Arg (NM_001324006.1, NM_001324007.1, NM_001324008.1 and 2 more transcripts); c.1127T>G, p.Leu376Arg (NM_001324011.1); c.977T>G, p.Leu326Arg (NM_001324012.1, NM_001324013.1); c.2021T>G, p.Leu674Arg (NM_001290309.3); c.1961T>G, p.Leu654Arg (NM_001290310.3); and 1 more; short protein forms L376R, L777R, L326R, L407R, L746R, L294R, L654R, L674R.
Identifiers: ClinVar variation 3656801 (VCV003656801.2).
Genomic context (GRCh38, chr5:138,932,609, plus strand): 5'-ACTTGGTGTTAAGCCTGCTCTCTCTTCAGTGCCCCGACTCGGCTTGCAAGCAGGACCTGC[T>G]GGCCTACCTGCAACGCATCGCCCTCTACTGCCACCAGCTGAACATCTGCAGCAAGGTCAA-3'
Protein context (NP_001894.2, residues 767-787): CPDSACKQDL[Leu777Arg]AYLQRIALYC

ClinVar aggregate classification (germline): Uncertain significance (1 of 4 stars; one submission).

Submission:

Labcorp Genetics (formerly Invitae), Labcorp
Classification: Uncertain significance. Last evaluated: 2025-05-09. Review status: criteria provided, single submitter. Criteria: Invitae Variant Classification Sherloc (09022015). Collection method: clinical testing. Allele origin: germline.
Comment: This sequence change replaces leucine, which is neutral and non-polar, with arginine, which is basic and polar, at codon 777 of the CTNNA1 protein (p.Leu777Arg). This variant is not present in population databases (gnomAD no frequency). This variant has not been reported in the literature in individuals affected with CTNNA1-related conditions. ClinVar contains an entry for this variant (Variation ID: 3656801). An algorithm developed to predict the effect of missense changes on protein structure and function (PolyPhen-2) suggests that this variant is likely to be disruptive. In summary, the available evidence is currently insufficient to determine the role of this variant in disease. Therefore, it has been classified as a Variant of Uncertain Significance.